The following is an entry in ClinVar:

ClinVar aggregate classification (germline): Benign/Likely benign. Review status: criteria provided, multiple submitters, no conflicts (2 of 4 stars). 5 submissions from 5 submitters: Benign (2); Likely benign (2). 1 of the submissions does not count toward it. Last evaluated 2026-01-27.

Conditions:
ANXA11-related disorder. Also called: ANXA11-related condition.

Allele frequency attached by ClinVar (database versions not stated): 1000 Genomes Project 30x 0.00016; 1000 Genomes Project 0.00020; ExAC 0.00038; gnomAD exomes 0.00041 and 0.00070; gnomAD 0.00042 and 0.00045; TOPMed 0.00060; ESP Exome Variant Server 0.00077.
gnomAD v4.1: 1,105 of 1,614,084 alleles (0.068%); highest among the groups gnomAD compares: Non-Finnish European, 0.087%; no homozygotes.

Submissions (5):

Labcorp Genetics (formerly Invitae), Labcorp
Classification: Benign. Last evaluated: 2026-01-27. Review status: criteria provided, single submitter. Criteria: Invitae Variant Classification Sherloc (09022015). Collection method: clinical testing. Allele origin: germline.

Mayo Clinic Laboratories, Mayo Clinic
Classification: Likely benign. Last evaluated: 2025-10-02. Review status: criteria provided, single submitter. Criteria: ACMG Guidelines, 2015. Collection method: clinical testing. Allele origin: germline. Observed: 1 variant allele.
Comment: BP4, BP7

Blueprint Genetics
Classification: Likely benign. Last evaluated: 2024-10-31. Review status: criteria provided, single submitter. Criteria: ACMG Guidelines, 2015. Collection method: clinical testing. Allele origin: germline.

CeGaT Center for Human Genetics Tuebingen
Classification: Benign. Last evaluated: 2022-06-01. Review status: criteria provided, single submitter. Criteria: CeGaT Center For Human Genetics Tuebingen Variant Classification Criteria Version 2. Collection method: clinical testing. Allele origin: germline. Affected: yes. Observed: 1 variant allele.
Comment: ANXA11: BP4, BS1, BS2

PreventionGenetics, part of Exact Sciences
Classification: Likely benign for ANXA11-related condition. Last evaluated: 2019-04-10. Review status: no assertion criteria provided. Collection method: clinical testing. Allele origin: germline. Not counted in ClinVar's aggregate classification.
Comment: This variant is classified as likely benign based on ACMG/AMP sequence variant interpretation guidelines (Richards et al. 2015 PMID: 25741868, with internal and published modifications).

NM_145868.2(ANXA11):c.1252C>T (p.Leu418=)

Genes: ANXA11 (annexin A11; minus strand), LOC126860977 (CDK7 strongly-dependent group 2 enhancer GRCh37_chr10:81917938-81919137; plus strand). Cytogenetic location: 10q22.3.
Variant type: single nucleotide variant.
Coding change: c.1252C>T on transcript NM_145868.2 (MANE Select); coding-DNA position 1252, C replaced by T.
Protein change: p.Leu418=; no amino-acid change (leucine 418 retained).
Molecular consequence: synonymous variant.
Genome position (GRCh38, 1-based): chr10:80,159,124, G>A on the plus strand (C>T on the coding strand, the complement: ANXA11 is on the minus strand). VCF-style: chr10-80159124-G-A. GRCh37 (hg19) VCF-style: chr10-81918880-G-A.
Other names: p.Leu418=; c.1252C>T, p.Leu418= (NM_001157.3, NM_001278407.2, NM_001278408.2 and 1 more transcripts); c.1153C>T, p.Leu385= (NM_001278409.2); c.1252C>T (NM_145869.1).
Identifiers: ClinVar variation 1616853 (VCV001616853.35), dbSNP rs61860018, ClinGen allele CA5575852.